The following is an entry in ClinVar:

ClinVar aggregate classification (germline): Likely benign (1 of 4 stars; one submission).

gnomAD v4.1: 1 of 1,609,502 alleles (0.000062%); highest among the groups gnomAD compares: Non-Finnish European, 0.000085%; no homozygotes.

Submission:

GeneDx
Classification: Likely benign. Last evaluated: 2026-01-20. Review status: criteria provided, single submitter. Criteria: GeneDx Variant Classification Process June 2021. Collection method: clinical testing. Allele origin: germline.
Comment: See Variant Classification Assertion Criteria.

NM_005458.8(GABBR2):c.811A>G (p.Asn271Asp)

Gene: GABBR2 (gamma-aminobutyric acid type B receptor subunit 2; minus strand). Cytogenetic location: 9q22.33.
Variant type: single nucleotide variant.
Coding change: c.811A>G on transcript NM_005458.8 (MANE Select); coding-DNA position 811, A replaced by G.
Protein change: p.Asn271Asp; replaces asparagine 271 with aspartic acid.
Molecular consequence: missense variant.
Genome position (GRCh38, 1-based): chr9:98,473,334, T>C on the plus strand (A>G on the coding strand, the complement: GABBR2 is on the minus strand). VCF-style: chr9-98473334-T-C. GRCh37 (hg19) VCF-style: chr9-101235616-T-C.
Other names: short protein forms N271D.
Identifiers: ClinVar variation 4071640 (VCV004071640.2).
Genomic context (GRCh38, chr9:98,473,334, plus strand): 5'-CCCACCAAGAAGGCTCGTACCAGCCCGGAATGATCCACTGATATTTACTACCATACATGT[T>C]CTCCTCGTATGCCTGTAAAAGATGGAGTGACTATGAGGGCATTGAGAGTCGCACAGTTCA-3'
Protein context (NP_005449.5, residues 261-281): AKVFCCAYEE[Asn271Asp]MYGSKYQWII